The following is an entry in ClinVar:

NM_004064.5(CDKN1B):c.444C>A (p.Cys148Ter)

Gene: CDKN1B (cyclin dependent kinase inhibitor 1B; plus strand). Cytogenetic location: 12p13.1.
Variant type: single nucleotide variant.
Coding change: c.444C>A on transcript NM_004064.5 (MANE Select); coding-DNA position 444, C replaced by A.
Protein change: p.Cys148Ter; replaces cysteine 148 with a stop codon.
Molecular consequence: nonsense.
Genome position (GRCh38, 1-based): chr12:12,718,283, C>A. VCF-style: chr12-12718283-C-A. GRCh37 (hg19) VCF-style: chr12-12871217-C-A.
Other names: short protein forms C148*.
Identifiers: ClinVar variation 2910397 (VCV002910397.3), dbSNP rs1302236491, ClinGen allele CA383970813.

ClinVar aggregate classification (germline): Pathogenic (1 of 4 stars; one submission).

Conditions:
Multiple endocrine neoplasia type 4. Also called: MULTIPLE ENDOCRINE NEOPLASIA, TYPE IV. Identifiers: Orphanet 276152, MedGen C1970712, MONDO:0012552, OMIM 610755.

gnomAD v4.1: 1 of 1,606,188 alleles (0.000062%); highest among the groups gnomAD compares: Non-Finnish European, 0.000085%; no homozygotes.

Submission:

Labcorp Genetics (formerly Invitae), Labcorp
Classification: Pathogenic for Multiple endocrine neoplasia type 4. Last evaluated: 2023-12-26. Review status: criteria provided, single submitter. Criteria: Invitae Variant Classification Sherloc (09022015). Collection method: clinical testing. Allele origin: germline.
Comment: This sequence change creates a premature translational stop signal (p.Cys148*) in the CDKN1B gene. It is expected to result in an absent or disrupted protein product. Loss-of-function variants in CDKN1B are known to be pathogenic (PMID: 17030811, 24819502). This variant is not present in population databases (gnomAD no frequency). This variant has not been reported in the literature in individuals affected with CDKN1B-related conditions. For these reasons, this variant has been classified as Pathogenic.

Literature cited by the submitters: PubMed 17030811; PubMed 24819502.